The following is an entry in ClinVar:

NM_016107.5(ZFR):c.1520G>A (p.Gly507Asp)

Gene: ZFR (zinc finger RNA binding protein; minus strand). Cytogenetic location: 5p13.3.
Variant type: single nucleotide variant.
Coding change: c.1520G>A on transcript NM_016107.5 (MANE Select); coding-DNA position 1520, G replaced by A.
Protein change: p.Gly507Asp; replaces glycine 507 with aspartic acid.
Molecular consequence: missense variant. On other transcripts: non-coding transcript variant (1).
Genome position (GRCh38, 1-based): chr5:32,400,200, C>T on the plus strand (G>A on the coding strand, the complement: ZFR is on the minus strand). VCF-style: chr5-32400200-C-T. GRCh37 (hg19) VCF-style: chr5-32400305-C-T.
Other names: short protein forms G507D.
Identifiers: ClinVar variation 2918433 (VCV002918433.3), dbSNP rs1412838273, ClinGen allele CA359358638.
Genomic context (GRCh38, chr5:32,400,200, plus strand): 5'-TTAACACATTCGGTTCCTTTTATGTCTTCTGCTTTATTTCCTGTTGACTGCAGCTTATTA[C>T]CACCTAGAAAAGTATCAAAAAGTTAAAAAAAATTTTATTTTTGTATAAATATATATACCT-3'
Protein context (NP_057191.2, residues 497-517): TSTPKINFVG[Gly507Asp]NKLQSTGNKA

ClinVar aggregate classification (germline): Uncertain significance (1 of 4 stars; one submission).

Conditions:
Pure or complex autosomal recessive spastic paraplegia. Identifiers: Orphanet 320346, MedGen C5679887, MONDO:0017915.

Allele frequency attached by ClinVar (database versions not stated): gnomAD exomes below 0.00001; TOPMed 0.00002.

Submission:

Labcorp Genetics (formerly Invitae), Labcorp
Classification: Uncertain significance for Pure or complex autosomal recessive spastic paraplegia. Last evaluated: 2024-02-01. Review status: criteria provided, single submitter. Criteria: Invitae Variant Classification Sherloc (09022015). Collection method: clinical testing. Allele origin: germline.
Comment: This sequence change replaces glycine, which is neutral and non-polar, with aspartic acid, which is acidic and polar, at codon 507 of the ZFR protein (p.Gly507Asp). This variant is not present in population databases (gnomAD no frequency). This variant has not been reported in the literature in individuals affected with ZFR-related conditions. Experimental studies and prediction algorithms are not available or were not evaluated, and the functional significance of this variant is currently unknown. In summary, the available evidence is currently insufficient to determine the role of this variant in disease. Therefore, it has been classified as a Variant of Uncertain Significance.